The following is an entry in ClinVar:

NM_016616.5(NME8):c.1547G>A (p.Gly516Asp)

Gene: NME8 (NME/NM23 family member 8; plus strand). Cytogenetic location: 7p14.1.
Variant type: single nucleotide variant.
Coding change: c.1547G>A on transcript NM_016616.5 (MANE Select); coding-DNA position 1547, G replaced by A.
Protein change: p.Gly516Asp; replaces glycine 516 with aspartic acid.
Molecular consequence: missense variant.
Genome position (GRCh38, 1-based): chr7:37,896,872, G>A. VCF-style: chr7-37896872-G-A. GRCh37 (hg19) VCF-style: chr7-37936474-G-A.
Other names: short protein forms G516D.
Identifiers: ClinVar variation 3607783 (VCV003607783.2).

ClinVar aggregate classification (germline): Uncertain significance (1 of 4 stars; one submission).

Conditions:
Primary ciliary dyskinesia 6. Also called: Primary Ciliary Dyskinesia 6: TXNDC3-Related Primary Ciliary Dyskinesia. Identifiers: Orphanet 244, MedGen C1970506, MONDO:0012571, OMIM 610852.

Submission:

Labcorp Genetics (formerly Invitae), Labcorp
Classification: Uncertain significance for Primary ciliary dyskinesia 6. Last evaluated: 2024-11-05. Review status: criteria provided, single submitter. Criteria: Invitae Variant Classification Sherloc (09022015). Collection method: clinical testing. Allele origin: germline.
Comment: This sequence change replaces glycine, which is neutral and non-polar, with aspartic acid, which is acidic and polar, at codon 516 of the NME8 protein (p.Gly516Asp). This variant is not present in population databases (gnomAD no frequency). This variant has not been reported in the literature in individuals affected with NME8-related conditions. An algorithm developed to predict the effect of missense changes on protein structure and function (PolyPhen-2) suggests that this variant is likely to be disruptive. In summary, the available evidence is currently insufficient to determine the role of this variant in disease. Therefore, it has been classified as a Variant of Uncertain Significance.